The following is an entry in ClinVar:

ClinVar aggregate classification (germline): Uncertain significance. Review status: criteria provided, multiple submitters, no conflicts (2 of 4 stars). 4 submissions from 4 submitters: Uncertain significance (4). Last evaluated 2024-05-16.

Conditions:
Hereditary cancer-predisposing syndrome. Also called: Neoplastic Syndromes, Hereditary; Hereditary Cancer Syndrome; Tumor predisposition; Hereditary neoplastic syndrome. Identifiers: Orphanet 140162, MedGen C0027672, MeSH D009386, MONDO:0015356.
Ataxia-telangiectasia syndrome (AT). Also called: Ataxia-telangiectasia, complementation group D; AT, COMPLEMENTATION GROUP C; Ataxia-telangiectasia; ATAXIA-TELANGIECTASIA, COMPLEMENTATION GROUP A; ATAXIA-TELANGIECTASIA, FRESNO VARIANT; Ataxia-telangiectasia, complementation group E. Identifiers: Orphanet 100, MedGen C0004135, MONDO:0008840, OMIM 208900.

Allele frequency attached by ClinVar (database versions not stated): gnomAD 0.00001.
gnomAD v4.1: 1 of 1,613,054 alleles (0.000062%); highest among the groups gnomAD compares: Non-Finnish European, 0.000085%; no homozygotes.

Submissions (4):

Ambry Genetics
Classification: Uncertain significance for Hereditary cancer-predisposing syndrome. Last evaluated: 2024-05-16. Review status: criteria provided, single submitter. Criteria: Ambry Variant Classification Scheme 2023. Collection method: clinical testing. Allele origin: germline.
Comment: The p.L2633V variant (also known as c.7897T>G), located in coding exon 52 of the ATM gene, results from a T to G substitution at nucleotide position 7897. The leucine at codon 2633 is replaced by valine, an amino acid with highly similar properties. This amino acid position is conserved. In addition, this alteration is predicted to be tolerated by in silico analysis. Since supporting evidence is limited at this time, the clinical significance of this alteration remains unclear.

Labcorp Genetics (formerly Invitae), Labcorp
Classification: Uncertain significance for Ataxia-telangiectasia syndrome. Last evaluated: 2023-08-24. Review status: criteria provided, single submitter. Criteria: Invitae Variant Classification Sherloc (09022015). Collection method: clinical testing. Allele origin: germline.
Comment: This sequence change replaces leucine, which is neutral and non-polar, with valine, which is neutral and non-polar, at codon 2633 of the ATM protein (p.Leu2633Val). This variant is not present in population databases (gnomAD no frequency). This variant has not been reported in the literature in individuals affected with ATM-related conditions. ClinVar contains an entry for this variant (Variation ID: 127451). An algorithm developed to predict the effect of missense changes on protein structure and function (PolyPhen-2) suggests that this variant is likely to be tolerated. In summary, the available evidence is currently insufficient to determine the role of this variant in disease. Therefore, it has been classified as a Variant of Uncertain Significance.

Quest Diagnostics Nichols Institute San Juan Capistrano
Classification: Uncertain significance. Last evaluated: 2021-08-10. Review status: criteria provided, single submitter. Criteria: Quest Diagnostics criteria. Collection method: clinical testing. Allele origin: unknown.

GeneDx
Classification: Uncertain significance. Last evaluated: 2013-10-09. Review status: criteria provided, single submitter. Criteria: GeneDx Variant Classification (06012015). Collection method: clinical testing. Allele origin: germline. Affected: yes.
Comment: This variant is denoted c.7897T>G at the cDNA level or p.Leu2633Val (L2633V) at the protein level. This variant results in the replacement of a Leucine codon (TTA) with a Valine codon (GTA) at amino acid position 2633 of the ATM gene. The Leu2633Val missense substitution has not been published as a mutation, nor has it been reported as a polymorphism to our knowledge. The NHLBI Exome Sequencing Project reports Leu2633Val was not observed in approximately 6500 samples from individuals of European and African American backgrounds, indicating it is not a common benign variant in these populations. The Leu2633Val variant is a conservative substitution as a neutral Leucine residue is replaced by a neutral Valine residue at a position that is evolutionarily moderately conserved across species and is not located in a known functional domain. Additionally, in silico models are consistent in their prediction of a benign effect on protein structure and function. Based on the currently available information, we consider Leu2633Val to be a variant of uncertain significance.

NM_000051.4(ATM):c.7897T>G (p.Leu2633Val)

Genes: ATM (ATM serine/threonine kinase; plus strand), C11orf65 (chromosome 11 open reading frame 65; minus strand). Cytogenetic location: 11q22.3.
Variant type: single nucleotide variant.
Coding change: c.7897T>G on transcript NM_000051.4 (MANE Select); coding-DNA position 7897, T replaced by G.
Protein change: p.Leu2633Val; replaces leucine 2633 with valine.
Molecular consequence: missense variant. On other transcripts: intron variant (2).
Genome position (GRCh38, 1-based): chr11:108,332,870, T>G. VCF-style: chr11-108332870-T-G. GRCh37 (hg19) VCF-style: chr11-108203597-T-G.
Other names: p.L2633V:TTA>GTA; c.7897T>G, p.Leu2633Val (NM_001351834.2); c.641-23799A>C (NM_001330368.2); c.*38+2350A>C (NM_001351110.2); short protein forms L2633V.
Identifiers: ClinVar variation 127451 (VCV000127451.52), dbSNP rs587779868, ClinGen allele CA287001.